The following is an entry in ClinVar:

ClinVar aggregate classification (germline): Uncertain significance (1 of 4 stars; one submission).

Submission:

GeneDx
Classification: Uncertain significance. Last evaluated: 2024-05-24. Review status: criteria provided, single submitter. Criteria: GeneDx Variant Classification Process June 2021. Collection method: clinical testing. Allele origin: germline. Affected: yes.
Comment: Not observed at significant frequency in large population cohorts (gnomAD); In silico analysis indicates that this missense variant does not alter protein structure/function; Has not been previously published as pathogenic or benign to our knowledge

NM_001385012.1(NBEA):c.2924A>C (p.Lys975Thr)

Gene: NBEA (neurobeachin; plus strand). Cytogenetic location: 13q13.3.
Variant type: single nucleotide variant.
Coding change: c.2924A>C on transcript NM_001385012.1 (MANE Select); coding-DNA position 2924, A replaced by C.
Protein change: p.Lys975Thr; replaces lysine 975 with threonine.
Molecular consequence: missense variant.
Genome position (GRCh38, 1-based): chr13:35,159,095, A>C. VCF-style: chr13-35159095-A-C. GRCh37 (hg19) VCF-style: chr13-35733232-A-C.
Other names: c.2924A>C, p.Lys975Thr (NM_001379245.1, NM_015678.5); short protein forms K975T.
Identifiers: ClinVar variation 3381618 (VCV003381618.1).